The following is an entry in ClinVar:

ClinVar aggregate classification (germline): Uncertain significance (1 of 4 stars; one submission).

Conditions:
Noonan syndrome (NS). Also called: Noonan's syndrome. Identifiers: Orphanet 648, MedGen C0028326, MeSH D009634, MONDO:0018997. Disease mechanism: gain of function.

Submission:

Labcorp Genetics (formerly Invitae), Labcorp
Classification: Uncertain significance for Noonan syndrome. Last evaluated: 2025-01-01. Review status: criteria provided, single submitter. Criteria: Invitae Variant Classification Sherloc (09022015). Collection method: clinical testing. Allele origin: germline.
Comment: This sequence change affects the initiator methionine of the RRAS mRNA. The next in-frame methionine is located at codon 93. This variant is not present in population databases (gnomAD no frequency). This variant has not been reported in the literature in individuals affected with RRAS-related conditions. Experimental studies and prediction algorithms are not available or were not evaluated, and the functional significance of this variant is currently unknown. In summary, the available evidence is currently insufficient to determine the role of this variant in disease. Therefore, it has been classified as a Variant of Uncertain Significance.

NM_006270.5(RRAS):c.1A>C (p.Met1Leu)

Gene: RRAS (RAS related; minus strand). Cytogenetic location: 19q13.33.
Variant type: single nucleotide variant.
Coding change: c.1A>C on transcript NM_006270.5 (MANE Select); coding-DNA position 1, A replaced by C.
Protein change: p.Met1Leu; changes the start codon (methionine 1).
Molecular consequence: missense variant, initiator codon variant.
Genome position (GRCh38, 1-based): chr19:49,640,098, T>G on the plus strand (A>C on the coding strand, the complement: RRAS is on the minus strand). VCF-style: chr19-49640098-T-G. GRCh37 (hg19) VCF-style: chr19-50143355-T-G.
Other names: short protein forms M1L.
Identifiers: ClinVar variation 3665743 (VCV003665743.2).